The following is an entry in ClinVar:

ClinVar aggregate classification (germline): Uncertain significance. Review status: criteria provided, multiple submitters, no conflicts (2 of 4 stars). 3 submissions from 3 submitters: Uncertain significance (3). Last evaluated 2026-01-24.

Allele frequency attached by ClinVar (database versions not stated): gnomAD exomes 0.00001 and 0.00002; ExAC 0.00004; ESP Exome Variant Server 0.00008; gnomAD 0.00015 and 0.00016; 1000 Genomes Project 0.00020; TOPMed 0.00024; 1000 Genomes Project 30x 0.00047.

Submissions (3):

Labcorp Genetics (formerly Invitae), Labcorp
Classification: Uncertain significance. Last evaluated: 2026-01-24. Review status: criteria provided, single submitter. Criteria: Invitae Variant Classification Sherloc (09022015). Collection method: clinical testing. Allele origin: germline.
Comment: This sequence change replaces glycine, which is neutral and non-polar, with serine, which is neutral and polar, at codon 228 of the EMC1 protein (p.Gly228Ser). This variant is present in population databases (rs367574801, gnomAD 0.03%). This variant has not been reported in the literature in individuals affected with EMC1-related conditions. ClinVar contains an entry for this variant (Variation ID: 1042582). Invitae Evidence Modeling of protein sequence and biophysical properties (such as structural, functional, and spatial information, amino acid conservation, physicochemical variation, residue mobility, and thermodynamic stability) indicates that this missense variant is not expected to disrupt EMC1 protein function with a negative predictive value of 80%. In summary, the available evidence is currently insufficient to determine the role of this variant in disease. Therefore, it has been classified as a Variant of Uncertain Significance.

GeneDx
Classification: Uncertain significance. Last evaluated: 2025-06-09. Review status: criteria provided, single submitter. Criteria: GeneDx Variant Classification Process June 2021. Collection method: clinical testing. Allele origin: germline. Affected: yes.
Comment: Has not been previously published as pathogenic or benign to our knowledge; In silico analysis suggests that this missense variant does not alter protein structure/function

Breakthrough Genomics
Classification: Uncertain significance. Review status: criteria provided, single submitter. Criteria: ACMG Guidelines, 2015. Collection method: not provided. Allele origin: germline. Inheritance: Autosomal recessive inheritance. Affected: yes.

NM_015047.3(EMC1):c.682G>A (p.Gly228Ser)

Genes: EMC1-AS1 (EMC1 antisense RNA 1; plus strand), EMC1 (ER membrane protein complex subunit 1; minus strand). Cytogenetic location: 1p36.13.
Variant type: single nucleotide variant.
Coding change: c.682G>A on transcript NM_015047.3 (MANE Select); coding-DNA position 682, G replaced by A.
Protein change: p.Gly228Ser; replaces glycine 228 with serine.
Molecular consequence: missense variant. On other transcripts: non-coding transcript variant (1).
Genome position (GRCh38, 1-based): chr1:19,240,401, C>T on the plus strand (G>A on the coding strand, the complement: EMC1 is on the minus strand). VCF-style: chr1-19240401-C-T. GRCh37 (hg19) VCF-style: chr1-19566895-C-T.
Other names: c.682G>A, p.Gly228Ser (NM_001271427.2, NM_001271428.2, NM_001375820.1 and 1 more transcripts); c.616G>A, p.Gly206Ser (NM_001271429.2); c.682G>A (NM_015047.2); short protein forms G228S, G206S.
Identifiers: ClinVar variation 1042582 (VCV001042582.9), dbSNP rs367574801, ClinGen allele CA652824.
Genomic context (GRCh38, chr1:19,240,401, plus strand): 5'-AAGTTTGGAGGGAACGTGAGCTCGGGTCAGGACACACCAGGACAGCCTCATCCACCACAC[C>T]ACAGGCTCCAGACAGGTGCTGCAGCCACGGAGTTGAAACCCTAACCTACAGAAAAGTCAT-3'
Protein context (NP_055862.1, residues 218-238): PWLQHLSGAC[Gly228Ser]VVDEAVLVCP